The following is an entry in ClinVar:

ClinVar aggregate classification (germline): Conflicting classifications of pathogenicity. Review status: criteria provided, conflicting classifications (1 of 4 stars). 5 submissions from 5 submitters: Uncertain significance (1); Likely benign (4). Last evaluated 2025-12-02.

Allele frequency attached by ClinVar (database versions not stated): 1000 Genomes Project 30x 0.00016; ExAC 0.00046; gnomAD exomes 0.00061 and 0.00141; TOPMed 0.00070; gnomAD 0.00072 and 0.00075; ESP Exome Variant Server 0.00153.
gnomAD v4.1: 2,033 of 1,537,244 alleles (0.13%); highest among the groups gnomAD compares: Non-Finnish European, 0.17%; 3 homozygotes.

Submissions (5):

Women's Health and Genetics/Laboratory Corporation of America, LabCorp
Classification: Likely benign. Last evaluated: 2025-12-02. Review status: criteria provided, single submitter. Criteria: LabCorp Variant Classification Summary - May 2015. Collection method: clinical testing. Allele origin: germline.

CeGaT Center for Human Genetics Tuebingen
Classification: Likely benign. Last evaluated: 2025-11-01. Review status: criteria provided, single submitter. Criteria: CeGaT Center For Human Genetics Tuebingen Variant Classification Criteria Version 2. Collection method: clinical testing. Allele origin: germline. Affected: yes. Observed: 4 variant alleles.
Comment: PIEZO2: BP4, BP7

Labcorp Genetics (formerly Invitae), Labcorp
Classification: Likely benign. Last evaluated: 2023-06-06. Review status: criteria provided, single submitter. Criteria: Invitae Variant Classification Sherloc (09022015). Collection method: clinical testing. Allele origin: germline.

Genetic Services Laboratory, University of Chicago
Classification: Uncertain significance. Last evaluated: 2015-09-08. Review status: criteria provided, single submitter. Criteria: ACMG Guidelines, 2015. Collection method: clinical testing. Allele origin: germline. Affected: no.

PreventionGenetics, part of Exact Sciences
Classification: Likely benign. Review status: criteria provided, single submitter. Criteria: ACMG Guidelines, 2015. Collection method: clinical testing. Allele origin: germline.

NM_001378183.1(PIEZO2):c.6153C>T (p.Ala2051=)

Gene: PIEZO2 (piezo type mechanosensitive ion channel component 2; minus strand). Cytogenetic location: 18p11.22.
Variant type: single nucleotide variant.
Coding change: c.6153C>T on transcript NM_001378183.1 (MANE Select); coding-DNA position 6153, C replaced by T.
Protein change: p.Ala2051=; no amino-acid change (alanine 2051 retained).
Molecular consequence: synonymous variant.
Genome position (GRCh38, 1-based): chr18:10,704,499, G>A on the plus strand (C>T on the coding strand, the complement: PIEZO2 is on the minus strand). VCF-style: chr18-10704499-G-A. GRCh37 (hg19) VCF-style: chr18-10704497-G-A.
Other names: c.5814C>T, p.Ala1938= (NM_022068.4).
Identifiers: ClinVar variation 261520 (VCV000261520.40), dbSNP rs375812718, ClinGen allele CA8892271.